The following is an entry in ClinVar:

ClinVar aggregate classification (germline): Uncertain significance. Review status: criteria provided, multiple submitters, no conflicts (2 of 4 stars). 2 submissions from 2 submitters: Uncertain significance (2). Last evaluated 2022-09-01.

Submissions (2):

Blueprint Genetics
Classification: Uncertain significance. Last evaluated: 2022-09-01. Review status: criteria provided, single submitter. Criteria: ACMG Guidelines, 2015. Collection method: clinical testing. Allele origin: germline.

Labcorp Genetics (formerly Invitae), Labcorp
Classification: Uncertain significance. Last evaluated: 2021-04-23. Review status: criteria provided, single submitter. Criteria: Invitae Variant Classification Sherloc (09022015). Collection method: clinical testing. Allele origin: germline.
Comment: Algorithms developed to predict the effect of missense changes on protein structure and function output the following: SIFT: "Tolerated"; PolyPhen-2: "Possibly Damaging"; Align-GVGD: "Class C0". The arginine amino acid residue is found in multiple mammalian species, suggesting that this missense change does not adversely affect protein function. These predictions have not been confirmed by published functional studies and their clinical significance is uncertain. In summary, the available evidence is currently insufficient to determine the role of this variant in disease. Therefore, it has been classified as a Variant of Uncertain Significance. This variant has not been reported in the literature in individuals with C1QTNF5-related conditions. The frequency data for this variant in the population databases is considered unreliable, as metrics indicate insufficient coverage at this position in the ExAC database. This sequence change replaces lysine with arginine at codon 65 of the C1QTNF5 protein (p.Lys65Arg). The lysine residue is highly conserved and there is a small physicochemical difference between lysine and arginine.

NM_001278431.2(C1QTNF5):c.194A>G (p.Lys65Arg)

Genes: C1QTNF5 (C1q and TNF related 5; minus strand), MFRP (membrane frizzled-related protein; minus strand). Cytogenetic location: 11q23.3.
Variant type: single nucleotide variant.
Coding change: c.194A>G on transcript NM_001278431.2 (MANE Select); coding-DNA position 194, A replaced by G.
Protein change: p.Lys65Arg; replaces lysine 65 with arginine.
Molecular consequence: missense variant. On other transcripts: 3 prime UTR variant (1).
Genome position (GRCh38, 1-based): chr11:119,340,204, T>C on the plus strand (A>G on the coding strand, the complement: C1QTNF5 is on the minus strand). VCF-style: chr11-119340204-T-C. GRCh37 (hg19) VCF-style: chr11-119210914-T-C.
Other names: c.194A>G, p.Lys65Arg (NM_015645.5); c.*1090A>G (NM_031433.4); short protein forms K65R.
Identifiers: ClinVar variation 1347561 (VCV001347561.9), dbSNP rs2135365318, ClinGen allele CA382970297.
Genomic context (GRCh38, chr11:119,340,204, plus strand): 5'-TCGGACATCGCCACCGATAGCCGCGGCGGTGCCTTCTTACCCGGCCTCCCGCCCTCGCCT[T>C]TCTCTCCCGGAGCCCCGGGCGCGCCGTCGCGGCCGTCGCGGCCATCGCGGCCCGGCAAGC-3'
Protein context (NP_001265360.1, residues 55-75): RDGAPGAPGE[Lys65Arg]GEGGRPGLPG